The following is an entry in ClinVar:

ClinVar aggregate classification (germline): Uncertain significance (1 of 4 stars; one submission).

Submission:

Labcorp Genetics (formerly Invitae), Labcorp
Classification: Uncertain significance. Last evaluated: 2021-11-07. Review status: criteria provided, single submitter. Criteria: Invitae Variant Classification Sherloc (09022015). Collection method: clinical testing. Allele origin: germline.
Comment: This variant results in a copy number gain of the genomic region encompassing exon(s) 1-43 of the POLE gene. This region includes the initiator codon of the gene. This copy number gain extends beyond the assayed region for this gene and therefore may encompass additional genes. As the precise location of this event is unknown, it may be in tandem or it may be located elsewhere in the genome. In summary, the available evidence is currently insufficient to determine the role of this variant in disease. Therefore, it has been classified as a Variant of Uncertain Significance. Experimental studies and prediction algorithms are not available or were not evaluated, and the functional significance of this variant is currently unknown. This variant has not been reported in the literature in individuals affected with POLE-related conditions.

NC_000012.11:g.(?_133210762)_(133263901_?)dup

Gene: POLE (DNA polymerase epsilon, catalytic subunit; minus strand). Cytogenetic location: 12q24.33.
Variant type: Duplication.
Identifiers: ClinVar variation 2425540 (VCV002425540.4).